The following is an entry in ClinVar:

NM_007294.4(BRCA1):c.3272C>T (p.Pro1091Leu)

Genes: BRCA1 (BRCA1 DNA repair associated; minus strand), LOC126862571 (BRD4-independent group 4 enhancer GRCh37_chr17:41243136-41244335; plus strand). Cytogenetic location: 17q21.31.
Variant type: single nucleotide variant.
Coding change: c.3272C>T on transcript NM_007294.4 (MANE Select); coding-DNA position 3272, C replaced by T.
Protein change: p.Pro1091Leu; replaces proline 1091 with leucine.
Molecular consequence: missense variant. On other transcripts: intron variant (137).
Genome position (GRCh38, 1-based): chr17:43,092,259, G>A on the plus strand (C>T on the coding strand, the complement: BRCA1 is on the minus strand). VCF-style: chr17-43092259-G-A. GRCh37 (hg19) VCF-style: chr17-41244276-G-A.
Other names: c.3194C>T, p.Pro1065Leu (NM_001407656.1, NM_001407657.1, NM_001407663.1 and 4 more transcripts); c.3149C>T, p.Pro1050Leu (NM_001407668.1, NM_001407669.1, NM_001407674.1 and 19 more transcripts); c.3191C>T, p.Pro1064Leu (NM_001407659.1, NM_001407660.1, NM_001407661.1 and 1 more transcripts); c.3146C>T, p.Pro1049Leu (NM_001407673.1, NM_001407670.1, NM_001407671.1 and 11 more transcripts); c.3059C>T, p.Pro1020Leu (NM_001407571.1, NM_001407853.1, NM_001407894.1 and 9 more transcripts); c.3272C>T, p.Pro1091Leu (NM_001407581.1, NM_001407582.1, NM_001407583.1 and 30 more transcripts); c.3269C>T, p.Pro1090Leu (NM_001407587.1, NM_001407590.1, NM_001407591.1 and 22 more transcripts); c.3263C>T, p.Pro1088Leu (NM_001407646.1, NM_001407647.1); and 41 more; short protein forms P1091L, P1044L, P1003L, P1050L, P1064L, P1090L, P795L, P963L.
Identifiers: ClinVar variation 835769 (VCV000835769.25), dbSNP rs2053616216, ClinGen allele CA10595442.

ClinVar aggregate classification (germline): Conflicting classifications of pathogenicity. Review status: criteria provided, conflicting classifications (1 of 4 stars). 4 submissions from 4 submitters: Uncertain significance (3); Likely benign (1). Last evaluated 2025-06-10.

Conditions:
Hereditary breast ovarian cancer syndrome. Also called: Hereditary breast and ovarian cancer syndrome; Breast and ovarian cancer; BRCA1- and BRCA2-Associated Hereditary Breast and Ovarian Cancer; Hereditary breast and ovarian cancer; Hereditary breast and/or ovarian cancer syndrome; Hereditary breast and ovarian cancer syndrome (HBOC). Identifiers: Orphanet 145, MedGen C0677776, MeSH D061325, MONDO:0003582. Disease mechanism: loss of function.
Hereditary cancer-predisposing syndrome. Also called: Hereditary neoplastic syndrome; Neoplastic Syndromes, Hereditary; Tumor predisposition; Hereditary Cancer Syndrome. Identifiers: Orphanet 140162, MedGen C0027672, MeSH D009386, MONDO:0015356.

Submissions (4):

Color Diagnostics, LLC DBA Color Health
Classification: Uncertain significance for Hereditary cancer-predisposing syndrome. Last evaluated: 2025-06-10. Review status: criteria provided, single submitter. Criteria: ACMG Guidelines, 2015. Collection method: clinical testing. Allele origin: germline.
Comment: This missense variant replaces proline with leucine at codon 1091 of the BRCA1 protein. Computational prediction is inconclusive regarding the impact of this variant on protein structure and function. To our knowledge, functional studies have not been reported for this variant. This variant has been detected in a breast cancer case-control meta-analysis in 1/60466 cases and 0/53461 unaffected individuals (PMID: 33471991Leiden Open Variation Database DB-ID BRCA1_006334). This variant has not been identified in the general population by the Genome Aggregation Database (gnomAD). The available evidence is insufficient to determine the role of this variant in disease conclusively. Therefore, this variant is classified as a Variant of Uncertain Significance.

Labcorp Genetics (formerly Invitae), Labcorp
Classification: Uncertain significance for Hereditary breast ovarian cancer syndrome. Last evaluated: 2023-08-07. Review status: criteria provided, single submitter. Criteria: Invitae Variant Classification Sherloc (09022015). Collection method: clinical testing. Allele origin: germline.
Comment: This sequence change replaces proline, which is neutral and non-polar, with leucine, which is neutral and non-polar, at codon 1091 of the BRCA1 protein (p.Pro1091Leu). In summary, the available evidence is currently insufficient to determine the role of this variant in disease. Therefore, it has been classified as a Variant of Uncertain Significance. Advanced modeling of protein sequence and biophysical properties (such as structural, functional, and spatial information, amino acid conservation, physicochemical variation, residue mobility, and thermodynamic stability) performed at Invitae indicates that this missense variant is not expected to disrupt BRCA1 protein function. ClinVar contains an entry for this variant (Variation ID: 835769). This variant has not been reported in the literature in individuals affected with BRCA1-related conditions. This variant is not present in population databases (gnomAD no frequency).

University of Washington Department of Laboratory Medicine, University of Washington
Classification: Likely benign for Hereditary cancer-predisposing syndrome. Last evaluated: 2023-03-23. Review status: criteria provided, single submitter. Criteria: Dines et al. (Genet Med. 2020). Collection method: curation. Allele origin: germline.
Comment: Missense variant in a coldspot region where missense variants are very unlikely to be pathogenic (PMID:31911673).

BRCA1 coldspot (exon 11 using historical exon numbering). Reclassification based on statistical prior probability

Ambry Genetics
Classification: Uncertain significance for Hereditary cancer-predisposing syndrome. Last evaluated: 2020-07-15. Review status: criteria provided, single submitter. Criteria: Ambry Variant Classification Scheme 2023. Collection method: clinical testing. Allele origin: germline.
Comment: The p.P1091L variant (also known as c.3272C>T), located in coding exon 9 of the BRCA1 gene, results from a C to T substitution at nucleotide position 3272. The proline at codon 1091 is replaced by leucine, an amino acid with similar properties. This amino acid position is highly conserved in available vertebrate species. In addition, this alteration is predicted to be deleterious by in silico analysis. Since supporting evidence is limited at this time, the clinical significance of this alteration remains unclear.

Literature cited by the submitters: PubMed 33471991 (cited by Color Diagnostics, LLC DBA Color Health).